The following is an entry in ClinVar:

NM_019892.6(INPP5E):c.813-5C>G

Gene: INPP5E (inositol polyphosphate-5-phosphatase E; minus strand). Cytogenetic location: 9q34.3.
Variant type: single nucleotide variant.
Coding change: c.813-5C>G on transcript NM_019892.6 (MANE Select); 5 bases into the intron before coding-DNA position 813, C replaced by G.
Molecular consequence: intron variant.
Genome position (GRCh38, 1-based): chr9:136,434,868, G>C on the plus strand (C>G on the coding strand, the complement: INPP5E is on the minus strand). VCF-style: chr9-136434868-G-C. GRCh37 (hg19) VCF-style: chr9-139329320-G-C.
Other names: c.813-5C>G (NM_001318502.2).
Identifiers: ClinVar variation 415749 (VCV000415749.25), dbSNP rs186462782, ClinGen allele CA5337060.

ClinVar aggregate classification (germline): Benign/Likely benign. Review status: criteria provided, multiple submitters, no conflicts (2 of 4 stars). 6 submissions from 6 submitters: Benign (1); Likely benign (3). 2 of the submissions do not count toward it. Last evaluated 2026-01-30.

Conditions:
Joubert syndrome 1 (JBTS1). Also called: Cerebellooculorenal syndrome 1; CEREBELLOPARENCHYMAL DISORDER IV. Identifiers: MedGen C4551568, MONDO:0008944, OMIM 213300.
Joubert syndrome. Also called: Familial aplasia of the vermis; JOUBERT-BOLTSHAUSER SYNDROME. Identifiers: Orphanet 475, MedGen C5979921, MONDO:0018772.

Allele frequency attached by ClinVar (database versions not stated): ESP Exome Variant Server 0.00186; 1000 Genomes Project 30x 0.00203; gnomAD 0.00216 and 0.00238; TOPMed 0.00232; gnomAD exomes 0.00052; ExAC 0.00083; 1000 Genomes Project 0.00160.
gnomAD v4.1: 663 of 1,603,908 alleles (0.041%); highest among the groups gnomAD compares: African/African-American, 0.74%; 1 homozygote.

Submissions (9):

Labcorp Genetics (formerly Invitae), Labcorp
Classification: Benign for Joubert syndrome. Last evaluated: 2026-01-30. Review status: criteria provided, single submitter. Criteria: Invitae Variant Classification Sherloc (09022015). Collection method: clinical testing. Allele origin: germline.

Blueprint Genetics
Classification: Likely benign. Last evaluated: 2024-11-01. Review status: criteria provided, single submitter. Criteria: ACMG Guidelines, 2015. Collection method: clinical testing. Allele origin: germline.

GeneDx
Classification: Likely benign. Last evaluated: 2019-06-03. Review status: criteria provided, single submitter. Criteria: GeneDx Variant Classification Process June 2021. Collection method: clinical testing. Allele origin: germline. Affected: yes.

Illumina Laboratory Services, Illumina
Classification: Likely benign for Joubert syndrome 1. Last evaluated: 2018-01-13. Review status: criteria provided, single submitter. Criteria: ICSL Variant Classification Criteria 13 December 2019. Collection method: clinical testing. Allele origin: germline.
Comment: This variant was observed in the ICSL laboratory as part of a predisposition screen in an ostensibly healthy population. It had not been previously curated by ICSL or reported in the Human Gene Mutation Database (HGMD: prior to June 1st, 2018), and was therefore a candidate for classification through an automated scoring system. Utilizing variant allele frequency, disease prevalence and penetrance estimates, and inheritance mode, an automated score was calculated to assess if this variant is too frequent to cause the disease. Based on the score and internal cut-off values, a variant classified as likely benign is not then subjected to further curation. The score for this variant resulted in a classification of likely benign for this disease.

Clinical Genetics DNA and cytogenetics Diagnostics Lab, Erasmus MC, Erasmus Medical Center
Classification: Likely benign. Review status: no assertion criteria provided. Collection method: clinical testing. Allele origin: germline. Affected: yes. Study: VKGL Data-share Consensus. Not counted in ClinVar's aggregate classification.

Clinical Genetics, Academic Medical Center
Classification: Benign. Review status: no assertion criteria provided. Collection method: clinical testing. Allele origin: germline. Affected: yes. Study: VKGL Data-share Consensus. Not counted in ClinVar's aggregate classification.

Dr. Peter K. Rogan Lab, Western University
No classification provided (evidence only). Condition: Uterine corpus endometrial carcinoma. Review status: no classification provided. Collection method: in vitro. Allele origin: not applicable. Functional consequence: retained intron. Not counted in ClinVar's aggregate classification.

Dr. Peter K. Rogan Lab, Western University
No classification provided (evidence only). Condition: Uterine corpus endometrial carcinoma. Review status: no classification provided. Collection method: in vitro. Allele origin: not applicable. Functional consequence: retained intron. Not counted in ClinVar's aggregate classification.

Dr. Peter K. Rogan Lab, Western University
No classification provided (evidence only). Condition: Cervical cancer. Review status: no classification provided. Collection method: in vitro. Allele origin: not applicable. Functional consequence: retained intron. Not counted in ClinVar's aggregate classification.